The following is an entry in ClinVar:

ClinVar aggregate classification (germline): Likely pathogenic (1 of 4 stars; one submission).

Conditions:
Developmental and epileptic encephalopathy, 9 (DEE9). Also called: JUBERG-HELLMAN SYNDROME; Early infantile epileptic encephalopathy 9; EPILEPSY, FEMALE-RESTRICTED, WITH MENTAL RETARDATION; PCDH19-Related X-Linked Female-Limited Epilepsy with Mental Retardation. Identifiers: Orphanet 101039, Orphanet 2076, MedGen C1848137, MONDO:0010246, OMIM 300088. Disease mechanism: loss of function.

Submission:

Juno Genomics, Hangzhou Juno Genomics, Inc
Classification: Likely pathogenic for Developmental and epileptic encephalopathy, 9. Review status: criteria provided, single submitter. Criteria: ACMG Guidelines, 2015. Collection method: clinical testing. Allele origin: germline.
Comment: Null variant in a gene where loss of function (LOF) is a known mechanism of disease.;Absent from controls (or at extremely low frequency if recessive) in Genome Aggregation Database.

NM_001184880.2(PCDH19):c.397C>T (p.Gln133Ter)

Gene: PCDH19 (protocadherin 19; minus strand). Cytogenetic location: Xq22.1.
Variant type: single nucleotide variant.
Coding change: c.397C>T on transcript NM_001184880.2 (MANE Select); coding-DNA position 397, C replaced by T.
Protein change: p.Gln133Ter; replaces glutamine 133 with a stop codon.
Molecular consequence: nonsense.
Genome position (GRCh38, 1-based): chrX:100,408,201, G>A on the plus strand (C>T on the coding strand, the complement: PCDH19 is on the minus strand). VCF-style: chrX-100408201-G-A. GRCh37 (hg19) VCF-style: chrX-99663199-G-A.
Other names: c.397C>T, p.Gln133Ter (NM_001105243.2, NM_020766.3); short protein forms Q133*.
Identifiers: ClinVar variation 5007486 (VCV005007486.2).